The following is an entry in ClinVar:

ClinVar aggregate classification (germline): Uncertain significance (1 of 4 stars; one submission).

Allele frequency attached by ClinVar (database versions not stated): ExAC 0.00003; gnomAD exomes 0.00006; gnomAD 0.00007; TOPMed 0.00008.
gnomAD v4.1: 102 of 1,613,910 alleles (0.0063%); highest among the groups gnomAD compares: Admixed American, 0.02%; no homozygotes.

Submission:

Labcorp Genetics (formerly Invitae), Labcorp
Classification: Uncertain significance. Last evaluated: 2025-11-23. Review status: criteria provided, single submitter. Criteria: Invitae Variant Classification Sherloc (09022015). Collection method: clinical testing. Allele origin: germline.
Comment: This sequence change replaces threonine, which is neutral and polar, with isoleucine, which is neutral and non-polar, at codon 442 of the MYH3 protein (p.Thr442Ile). This variant is present in population databases (rs769788909, gnomAD 0.006%). This variant has not been reported in the literature in individuals affected with MYH3-related conditions. ClinVar contains an entry for this variant (Variation ID: 1937125). Invitae Evidence Modeling of protein sequence and biophysical properties (such as structural, functional, and spatial information, amino acid conservation, physicochemical variation, residue mobility, and thermodynamic stability) indicates that this missense variant is not expected to disrupt MYH3 protein function with a negative predictive value of 95%. In summary, the available evidence is currently insufficient to determine the role of this variant in disease. Therefore, it has been classified as a Variant of Uncertain Significance.

NM_002470.4(MYH3):c.1325C>T (p.Thr442Ile)

Gene: MYH3 (myosin heavy chain 3; minus strand). Cytogenetic location: 17p13.1.
Variant type: single nucleotide variant.
Coding change: c.1325C>T on transcript NM_002470.4 (MANE Select); coding-DNA position 1325, C replaced by T.
Protein change: p.Thr442Ile; replaces threonine 442 with isoleucine.
Molecular consequence: missense variant.
Genome position (GRCh38, 1-based): chr17:10,644,436, G>A on the plus strand (C>T on the coding strand, the complement: MYH3 is on the minus strand). VCF-style: chr17-10644436-G-A. GRCh37 (hg19) VCF-style: chr17-10547753-G-A.
Other names: short protein forms T442I.
Identifiers: ClinVar variation 1937125 (VCV001937125.5), dbSNP rs769788909, ClinGen allele CA8393028.